The following is an entry in ClinVar:

NM_004525.3(LRP2):c.9041G>A (p.Arg3014Gln)

Gene: LRP2 (LDL receptor related protein 2; minus strand). Cytogenetic location: 2q31.1.
Variant type: single nucleotide variant.
Coding change: c.9041G>A on transcript NM_004525.3 (MANE Select); coding-DNA position 9041, G replaced by A.
Protein change: p.Arg3014Gln; replaces arginine 3014 with glutamine.
Molecular consequence: missense variant.
Genome position (GRCh38, 1-based): chr2:169,188,257, C>T on the plus strand (G>A on the coding strand, the complement: LRP2 is on the minus strand). VCF-style: chr2-169188257-C-T. GRCh37 (hg19) VCF-style: chr2-170044767-C-T.
Other names: short protein forms R3014Q.
Identifiers: ClinVar variation 2084389 (VCV002084389.1), dbSNP rs763717459, ClinGen allele CA1953676.

ClinVar aggregate classification (germline): Uncertain significance (1 of 4 stars; one submission).

Allele frequency attached by ClinVar (database versions not stated): TOPMed below 0.00001; gnomAD exomes 0.00001; ExAC 0.00002.
gnomAD v4.1: 15 of 1,614,064 alleles (0.00093%); highest among the groups gnomAD compares: African/African-American, 0.0027%; no homozygotes.

Submission:

Labcorp Genetics (formerly Invitae), Labcorp
Classification: Uncertain significance. Last evaluated: 2022-02-25. Review status: criteria provided, single submitter. Criteria: Invitae Variant Classification Sherloc (09022015). Collection method: clinical testing. Allele origin: germline.
Comment: This sequence change replaces arginine, which is basic and polar, with glutamine, which is neutral and polar, at codon 3014 of the LRP2 protein (p.Arg3014Gln). This variant is present in population databases (rs763717459, gnomAD 0.006%). This variant has not been reported in the literature in individuals affected with LRP2-related conditions. Algorithms developed to predict the effect of missense changes on protein structure and function are either unavailable or do not agree on the potential impact of this missense change (SIFT: "Deleterious"; PolyPhen-2: "Probably Damaging"; Align-GVGD: "Class C0"). In summary, the available evidence is currently insufficient to determine the role of this variant in disease. Therefore, it has been classified as a Variant of Uncertain Significance.